The following is an entry in ClinVar:

ClinVar aggregate classification (germline): Likely pathogenic (1 of 4 stars; one submission).

Submission:

GeneDx
Classification: Likely pathogenic. Last evaluated: 2023-02-07. Review status: criteria provided, single submitter. Criteria: GeneDx Variant Classification Process June 2021. Collection method: clinical testing. Allele origin: germline. Affected: yes.
Comment: Has not been previously published as pathogenic or benign to our knowledge; Not observed at significant frequency in large population cohorts (gnomAD); In silico analysis supports that this missense variant has a deleterious effect on protein structure/function; This variant is associated with the following publications: (PMID: 27535533)

NM_021956.5(GRIK2):c.1960A>G (p.Asn654Asp)

Gene: GRIK2 (glutamate ionotropic receptor kainate type subunit 2; plus strand). Cytogenetic location: 6q16.3.
Variant type: single nucleotide variant.
Coding change: c.1960A>G on transcript NM_021956.5 (MANE Select); coding-DNA position 1960, A replaced by G.
Protein change: p.Asn654Asp; replaces asparagine 654 with aspartic acid.
Molecular consequence: missense variant.
Genome position (GRCh38, 1-based): chr6:101,928,507, A>G. VCF-style: chr6-101928507-A-G. GRCh37 (hg19) VCF-style: chr6-102376382-A-G.
Other names: c.1960A>G, p.Asn654Asp (NM_001166247.1, NM_175768.3); short protein forms N654D.
Identifiers: ClinVar variation 1693459 (VCV001693459.2), dbSNP rs2128471633, ClinGen allele CA365308459.